The following is an entry in ClinVar:

NM_012309.5(SHANK2):c.2331G>A (p.Pro777=)

Gene: SHANK2 (SH3 and multiple ankyrin repeat domains 2; minus strand). Cytogenetic location: 11q13.3.
Variant type: single nucleotide variant.
Coding change: c.2331G>A on transcript NM_012309.5 (MANE Select); coding-DNA position 2331, G replaced by A.
Protein change: p.Pro777=; no amino-acid change (proline 777 retained).
Molecular consequence: synonymous variant. On other transcripts: non-coding transcript variant (1).
Genome position (GRCh38, 1-based): chr11:70,492,443, C>T on the plus strand (G>A on the coding strand, the complement: SHANK2 is on the minus strand). VCF-style: chr11-70492443-C-T. GRCh37 (hg19) VCF-style: chr11-70338548-C-T.
Other names: c.1194G>A, p.Pro398= (NM_001379226.1); c.2472G>A, p.Pro824= (NM_001441024.1); c.2301G>A, p.Pro767= (NM_001441025.1, NM_001441026.1, NM_001441027.1 and 11 more transcripts); c.2229G>A, p.Pro743= (NM_001441038.1); c.1164G>A, p.Pro388= (NM_001441040.1, NM_001441041.1); c.558G>A, p.Pro186= (NM_001441042.1); c.567G>A, p.Pro189= (NM_001441043.1, NM_133266.5); c.537G>A, p.Pro179= (NM_001441044.1, NM_001441045.1, NM_001441046.1); and 1 more.
Identifiers: ClinVar variation 4681503 (VCV004681503.5).

ClinVar aggregate classification (germline): Likely benign (1 of 4 stars; one submission).

gnomAD v4.1: 31 of 1,613,882 alleles (0.0019%); highest among the groups gnomAD compares: East Asian, 0.018%; no homozygotes.

Submission:

CeGaT Center for Human Genetics Tuebingen
Classification: Likely benign. Last evaluated: 2025-12-01. Review status: criteria provided, single submitter. Criteria: CeGaT Center For Human Genetics Tuebingen Variant Classification Criteria Version 2. Collection method: clinical testing. Allele origin: germline. Affected: yes. Observed: 1 variant allele.
Comment: SHANK2: BP4, BP7